The following is an entry in ClinVar:

ClinVar aggregate classification (germline): Uncertain significance (1 of 4 stars; one submission).

Conditions:
Long QT syndrome (LQTS). Identifiers: MedGen C0023976, MeSH D008133, MONDO:0002442. Disease mechanism: loss of function. Inheritance: Various modes of inheritance.

Submission:

Labcorp Genetics (formerly Invitae), Labcorp
Classification: Uncertain significance for Long QT syndrome. Last evaluated: 2021-12-14. Review status: criteria provided, single submitter. Criteria: Invitae Variant Classification Sherloc (09022015). Collection method: clinical testing. Allele origin: germline.
Comment: This variant has not been reported in the literature in individuals affected with AKAP9-related conditions. In summary, the available evidence is currently insufficient to determine the role of this variant in disease. Therefore, it has been classified as a Variant of Uncertain Significance. The frequency data for this variant in the population databases is considered unreliable, as metrics indicate poor data quality at this position in the gnomAD database. This sequence change creates a premature translational stop signal (p.Arg2664Profs*5) in the AKAP9 gene. It is expected to result in an absent or disrupted protein product. However, the current clinical and genetic evidence is not sufficient to establish whether loss-of-function variants in AKAP9 cause disease.

NM_005751.5(AKAP9):c.7989_7993del (p.Arg2664fs)

Gene: AKAP9 (A-kinase anchoring protein 9; plus strand). Cytogenetic location: 7q21.2.
Variant type: Microsatellite.
Coding change: c.7989_7993del on transcript NM_005751.5 (MANE Select); coding-DNA positions 7989 to 7993, 5 bases deleted (AAGAA; older notation c.7989_7993delAAGAA).
Protein change: p.Arg2664fs; shifts the reading frame from arginine 2664.
Molecular consequence: frameshift variant.
Genome position (GRCh38, 1-based): chr7:92,080,122-92,080,126, AAGAA deleted; deleting any 5 consecutive bases within chr7:92,080,111-92,080,126 gives the same sequence; the c. name uses the placement nearest the transcript's 3' end. VCF-style (leftmost placement, unchanged base first): chr7-92080110-GAAAGA-G. GRCh37 (hg19) VCF-style: chr7-91709424-GAAAGA-G.
Other names: c.2634_2638del, p.Arg879fs (NM_001379277.1); c.7965_7969del, p.Arg2656fs (NM_147185.3); short protein forms R879fs, R2664fs, R2656fs.
Identifiers: ClinVar variation 1903882 (VCV001903882.5), dbSNP rs777804211, ClinGen allele CA4337369.